The following is an entry in ClinVar:

NM_001077446.4(TSEN34):c.39G>A (p.Val13=)

Gene: TSEN34 (tRNA splicing endonuclease subunit 34; plus strand). Cytogenetic location: 19q13.42.
Variant type: single nucleotide variant.
Coding change: c.39G>A on transcript NM_001077446.4 (MANE Select); coding-DNA position 39, G replaced by A.
Protein change: p.Val13=; no amino-acid change (valine 13 retained).
Molecular consequence: synonymous variant.
Genome position (GRCh38, 1-based): chr19:54,191,403, G>A. VCF-style: chr19-54191403-G-A. GRCh37 (hg19) VCF-style: chr19-54695254-G-A.
Other names: c.39G>A, p.Val13= (NM_001282332.2, NM_001282333.2, NM_001386740.1 and 1 more transcripts).
Identifiers: ClinVar variation 160120 (VCV000160120.14), dbSNP rs184898622, ClinGen allele CA173695.

ClinVar aggregate classification (germline): Benign/Likely benign. Review status: criteria provided, multiple submitters, no conflicts (2 of 4 stars). 4 submissions from 4 submitters: Benign (3); Likely benign (1). Last evaluated 2026-01-12.

Conditions:
Pontoneocerebellar hypoplasia. Also called: Pontocerebellar hypoplasia; Non-syndromic pontocerebellar hypoplasia. Identifiers: Orphanet 98523, MedGen C1261175, MONDO:0020135.

Allele frequency attached by ClinVar (database versions not stated): gnomAD exomes 0.00043 and 0.00100; 1000 Genomes Project 0.00280; 1000 Genomes Project 30x 0.00359; gnomAD 0.00426; ESP Exome Variant Server 0.00434; TOPMed 0.00488.
gnomAD v4.1: 1,238 of 1,549,440 alleles (0.08%); highest among the groups gnomAD compares: African/African-American, 1.2%; 4 homozygotes.

Submissions (4):

Labcorp Genetics (formerly Invitae), Labcorp
Classification: Benign. Last evaluated: 2026-01-12. Review status: criteria provided, single submitter. Criteria: Invitae Variant Classification Sherloc (09022015). Collection method: clinical testing. Allele origin: germline.

GeneDx
Classification: Benign. Last evaluated: 2019-10-11. Review status: criteria provided, single submitter. Criteria: GeneDx Variant Classification Process June 2021. Collection method: clinical testing. Allele origin: germline. Affected: yes.

Illumina Laboratory Services, Illumina
Classification: Benign for Pontoneocerebellar hypoplasia. Last evaluated: 2018-01-13. Review status: criteria provided, single submitter. Criteria: ICSL Variant Classification Criteria 13 December 2019. Collection method: clinical testing. Allele origin: germline.
Comment: This variant was observed in the ICSL laboratory as part of a predisposition screen in an ostensibly healthy population. It had not been previously curated by ICSL or reported in the Human Gene Mutation Database (HGMD: prior to June 1st, 2018), and was therefore a candidate for classification through an automated scoring system. Utilizing variant allele frequency, disease prevalence and penetrance estimates, and inheritance mode, an automated score was calculated to assess if this variant is too frequent to cause the disease. Based on the score and internal cut-off values, a variant classified as benign is not then subjected to further curation. The score for this variant resulted in a classification of benign for this disease.

Genetic Services Laboratory, University of Chicago
Classification: Likely benign. Last evaluated: 2013-04-25. Review status: criteria provided, single submitter. Criteria: ACMG Guidelines, 2007. Collection method: clinical testing. Allele origin: germline. Inheritance: Autosomal recessive inheritance.
Comment: Likely benign based on allele frequency in 1000 Genomes Project or ESP global frequency and its presence in a patient with a rare or unrelated disease phenotype. NOT Sanger confirmed